The following is an entry in ClinVar:

ClinVar aggregate classification (germline): Uncertain significance (1 of 4 stars; one submission).

gnomAD v4.1: 5 of 1,614,224 alleles (0.00031%); highest among the groups gnomAD compares: East Asian, 0.0022%; no homozygotes.

Submission:

Ambry Genetics
Classification: Uncertain significance. Last evaluated: 2026-05-14. Review status: criteria provided, single submitter. Criteria: Ambry Variant Classification Scheme 2023. Collection method: clinical testing. Allele origin: germline.
Comment: The c.5132A>G (p.N1711S) alteration is located in exon 40 (coding exon 40) of the BRWD1 gene. This alteration results from a A to G substitution at nucleotide position 5132, causing the asparagine (N) at amino acid position 1711 to be replaced by a serine (S). Based on data from gnomAD, the G allele has an overall frequency of 0.001% (2/251350) total alleles studied. The highest observed frequency was 0.006% (1/16256) of African alleles. Based on insufficient or conflicting evidence, the clinical significance of this alteration remains unclear.

NM_033656.4(BRWD1):c.5132A>G (p.Asn1711Ser)

Gene: BRWD1 (bromodomain and WD repeat domain containing 1; minus strand). Cytogenetic location: 21q22.2.
Variant type: single nucleotide variant.
Coding change: c.5132A>G on transcript NM_033656.4 (MANE Select); coding-DNA position 5132, A replaced by G.
Protein change: p.Asn1711Ser; replaces asparagine 1711 with serine.
Molecular consequence: missense variant.
Genome position (GRCh38, 1-based): chr21:39,199,284, T>C on the plus strand (A>G on the coding strand, the complement: BRWD1 is on the minus strand). VCF-style: chr21-39199284-T-C. GRCh37 (hg19) VCF-style: chr21-40571210-T-C.
Other names: c.5132A>G, p.Asn1711Ser (NM_018963.5); short protein forms N1711S.
Identifiers: ClinVar variation 4867951 (VCV004867951.1).
Genomic context (GRCh38, chr21:39,199,284, plus strand): 5'-TTCCGGGCTACCCGCAAATCACTTTCTGACTCTGAGTCTCTGTTTTCAGATTCATCAACA[T>C]TGCTCTGGGCAGTGTGAGAACTGGACACTGGTAATAGTTGATTTTCATCTTTTAGCTCCT-3'
Protein context (NP_387505.1, residues 1701-1721): PVSSSHTAQS[Asn1711Ser]VDESENRDSE